The following is an entry in ClinVar:

NM_019032.6(ADAMTSL4):c.3167C>T (p.Ala1056Val)

Gene: ADAMTSL4 (ADAMTS like 4; plus strand). Cytogenetic location: 1q21.2.
Variant type: single nucleotide variant.
Coding change: c.3167C>T on transcript NM_019032.6 (MANE Select); coding-DNA position 3167, C replaced by T.
Protein change: p.Ala1056Val; replaces alanine 1056 with valine.
Molecular consequence: missense variant.
Genome position (GRCh38, 1-based): chr1:150,560,138, C>T. VCF-style: chr1-150560138-C-T. GRCh37 (hg19) VCF-style: chr1-150532614-C-T.
Other names: c.3050C>T, p.Ala1017Val (NM_001288607.2); c.3236C>T, p.Ala1079Val (NM_001288608.2); c.3167C>T, p.Ala1056Val (NM_001378596.1); short protein forms A1056V, A1079V, A1017V.
Identifiers: ClinVar variation 1999525 (VCV001999525.4), dbSNP rs2526801725, ClinGen allele CA342319400.

ClinVar aggregate classification (germline): Uncertain significance (1 of 4 stars; one submission).

Submission:

Labcorp Genetics (formerly Invitae), Labcorp
Classification: Uncertain significance. Last evaluated: 2022-10-31. Review status: criteria provided, single submitter. Criteria: Invitae Variant Classification Sherloc (09022015). Collection method: clinical testing. Allele origin: germline.
Comment: This variant has not been reported in the literature in individuals affected with ADAMTSL4-related conditions. In summary, the available evidence is currently insufficient to determine the role of this variant in disease. Therefore, it has been classified as a Variant of Uncertain Significance. Advanced modeling of protein sequence and biophysical properties (such as structural, functional, and spatial information, amino acid conservation, physicochemical variation, residue mobility, and thermodynamic stability) performed at Invitae indicates that this missense variant is not expected to disrupt ADAMTSL4 protein function. This variant is not present in population databases (gnomAD no frequency). This sequence change replaces alanine, which is neutral and non-polar, with valine, which is neutral and non-polar, at codon 1056 of the ADAMTSL4 protein (p.Ala1056Val).